The following is an entry in ClinVar:

ClinVar aggregate classification (germline): Uncertain significance (1 of 4 stars; one submission).

Conditions:
PCNT-related disorder. Also called: PCNT-related condition.

Submission:

PreventionGenetics, part of Exact Sciences
Classification: Uncertain significance for PCNT-related condition. Last evaluated: 2025-08-28. Review status: criteria provided, single submitter. Criteria: ACMG Guidelines, 2015. Collection method: clinical testing. Allele origin: germline.
Comment: The PCNT c.7439A>G variant is predicted to result in the amino acid substitution p.Asp2480Gly. To our knowledge, this variant has not been reported in the literature or in a large population database (gnomAD), indicating this variant is rare. At this time, the clinical significance of this variant is uncertain due to the absence of conclusive functional and genetic evidence.

NM_006031.6(PCNT):c.7439A>G (p.Asp2480Gly)

Gene: PCNT (pericentrin; plus strand). Cytogenetic location: 21q22.3.
Variant type: single nucleotide variant.
Coding change: c.7439A>G on transcript NM_006031.6 (MANE Select); coding-DNA position 7439, A replaced by G.
Protein change: p.Asp2480Gly; replaces aspartic acid 2480 with glycine.
Molecular consequence: missense variant.
Genome position (GRCh38, 1-based): chr21:46,427,740, A>G. VCF-style: chr21-46427740-A-G. GRCh37 (hg19) VCF-style: chr21-47847654-A-G.
Other names: c.7085A>G, p.Asp2362Gly (NM_001315529.2); short protein forms D2480G, D2362G.
Identifiers: ClinVar variation 4992106 (VCV004992106.1).